The following is an entry in ClinVar:

NM_000141.5(FGFR2):c.1562-9_1562-7delinsAA

Gene: FGFR2 (fibroblast growth factor receptor 2; minus strand). Cytogenetic location: 10q26.13.
Variant type: Indel.
Coding change: c.1562-9_1562-7delinsAA on transcript NM_000141.5 (MANE Select); 9 bases into the intron before coding-DNA position 1562 through 7 bases into the intron before coding-DNA position 1562, TGT replaced by AA.
Molecular consequence: intron variant.
Genome position (GRCh38, 1-based): chr10:121,498,612-121,498,614, ACA replaced by TT on the plus strand (TGT replaced by AA on the coding strand, the reverse complement: FGFR2 is on the minus strand). VCF-style: chr10-121498612-ACA-TT. GRCh37 (hg19) VCF-style: chr10-123258126-ACA-TT.
Other names: c.1226-9_1226-7delinsAA (NM_001144914.1); c.1211-9_1211-7delinsAA (NM_001144918.2, NM_001441091.1); c.1217-9_1217-7delinsAA (NM_001441090.1, NM_001144916.2); c.1289-9_1289-7delinsAA (NM_001441089.1); c.1295-9_1295-7delinsAA (NM_023029.3, NM_001144915.2); c.1292-9_1292-7delinsAA (NM_001441088.1); c.1214-9_1214-7delinsAA (NM_001144917.2); c.1556-9_1556-7delinsAA (NM_001320658.2); and 4 more.
Identifiers: ClinVar variation 1318925 (VCV001318925.3), dbSNP rs2133978031, ClinGen allele CA2573053252.

ClinVar aggregate classification (germline): Uncertain significance. Review status: criteria provided, multiple submitters, no conflicts (2 of 4 stars). 2 submissions from 2 submitters: Uncertain significance (2). Last evaluated 2022-05-10.

Conditions:
Acrocephalosyndactyly type I (ACS1). Also called: Apert syndrome; Acrocephalo-syndactyly type 1; ACS 1; Syndactylic oxycephaly. Identifiers: Orphanet 87, MedGen C0001193, MONDO:0007041, OMIM 101200.
Levy-Hollister syndrome (LADD). Also called: LADD syndrome. Identifiers: Orphanet 2363, MedGen C0265269, MONDO:0007872.
Jackson-Weiss syndrome (JWS). Also called: CRANIOSYNOSTOSIS, MIDFACIAL HYPOPLASIA, AND FOOT ABNORMALITIES. Identifiers: Orphanet 1540, MedGen C0795998, MONDO:0007400, OMIM 123150. Disease mechanism: loss of function.
Crouzon syndrome. Also called: Craniofacial dysostosis; Craniofacial dysostosis type 1; Crouzon craniofacial dysostosis; Crouzon disease; CRANIOFACIAL DYSOSTOSIS, TYPE I. Identifiers: Orphanet 207, MedGen C0010273, MeSH D003394, MONDO:0007405, OMIM 123500, HP:0004439.
Bent bone dysplasia syndrome 1 (BBDS1). Also called: FGFR2-related bent bone dysplasia. Identifiers: Orphanet 313855, MedGen C3281247, MONDO:0013815, OMIM 614592.
Gastric cancer. Also called: Malignant tumor of stomach; Stomach cancer. Identifiers: MedGen C0024623, MeSH D013274, MONDO:0001056, OMIM 613659, HP:0012126.
Beare-Stevenson cutis gyrata syndrome (BSTVS). Identifiers: Orphanet 1555, MedGen C1852406, MONDO:0007412, OMIM 123790.
Pfeiffer syndrome (ACS5). Also called: ACS V. Identifiers: Orphanet 710, MedGen C0220658, MONDO:0007043, OMIM 101600.
Antley-Bixler syndrome without genital anomalies or disordered steroidogenesis (ABS2). Also called: Trapezoidocephaly synostosis syndrome; Osteodysgenesis, multisynostotic with fractures; Antley-Bixler Syndrome, Autosomal Dominant; MULTISYNOSTOTIC OSTEODYSGENESIS WITH LONG BONE FRACTURES. Identifiers: Orphanet 596008, Orphanet 83, MedGen C2936791, MONDO:0020667, OMIM 207410.
Saethre-Chotzen syndrome (SCS). Also called: ACROCEPHALY, SKULL ASYMMETRY, AND MILD SYNDACTYLY; ACS III; CHOTZEN SYNDROME. Identifiers: Orphanet 794, MedGen C0175699, MONDO:0007042, OMIM 101400.
Familial scaphocephaly syndrome, McGillivray type. Also called: SCAPHOCEPHALY, MAXILLARY RETRUSION, AND IMPAIRED INTELLECTUAL DEVELOPMENT. Identifiers: Orphanet 168624, MedGen C1865070, MONDO:0012307, OMIM 609579.

Submissions (2):

Fulgent Genetics
Classification: Uncertain significance for Acrocephalosyndactyly type I; Saethre-Chotzen syndrome; Pfeiffer syndrome; Jackson-Weiss syndrome; Crouzon syndrome; Beare-Stevenson cutis gyrata syndrome; LADD syndrome 1; Antley-Bixler syndrome without genital anomalies or disordered steroidogenesis; Familial scaphocephaly syndrome, McGillivray type; Gastric cancer; Bent bone dysplasia syndrome 1. Last evaluated: 2022-05-10. Review status: criteria provided, single submitter. Criteria: ACMG Guidelines, 2015. Collection method: clinical testing. Allele origin: unknown.

GeneDx
Classification: Uncertain significance. Last evaluated: 2019-03-06. Review status: criteria provided, single submitter. Criteria: GeneDx Variant Classification Process June 2021. Collection method: clinical testing. Allele origin: germline. Affected: yes.
Comment: Not observed in large population cohorts (Lek et al., 2016); In silico analysis, which includes splice predictors and evolutionary conservation, supports a deleterious effect; Has not been previously published as pathogenic or benign to our knowledge